The following is an entry in ClinVar:

ClinVar aggregate classification (germline): Pathogenic (1 of 4 stars; one submission).

Conditions:
Ehlers-Danlos syndrome, dermatosparaxis type. Also called: Dermatosparaxis; EDS VIIC; Ehlers-Danlos syndrome, type VII, autosomal recessive. Identifiers: Orphanet 1901, MedGen C2700425, MONDO:0009161, OMIM 225410.

Submission:

Labcorp Genetics (formerly Invitae), Labcorp
Classification: Pathogenic for Ehlers-Danlos syndrome, dermatosparaxis type. Last evaluated: 2022-04-24. Review status: criteria provided, single submitter. Criteria: Invitae Variant Classification Sherloc (09022015). Collection method: clinical testing. Allele origin: germline.
Comment: For these reasons, this variant has been classified as Pathogenic. This variant has not been reported in the literature in individuals affected with ADAMTS2-related conditions. This variant is not present in population databases (gnomAD no frequency). This sequence change creates a premature translational stop signal (p.Cys615*) in the ADAMTS2 gene. It is expected to result in an absent or disrupted protein product. Loss-of-function variants in ADAMTS2 are known to be pathogenic (PMID: 10417273).

Literature cited by the submitters: PubMed 10417273.

NM_014244.5(ADAMTS2):c.1845C>A (p.Cys615Ter)

Gene: ADAMTS2 (ADAM metallopeptidase with thrombospondin type 1 motif 2; minus strand). Cytogenetic location: 5q35.3.
Variant type: single nucleotide variant.
Coding change: c.1845C>A on transcript NM_014244.5 (MANE Select); coding-DNA position 1845, C replaced by A.
Protein change: p.Cys615Ter; replaces cysteine 615 with a stop codon.
Molecular consequence: nonsense.
Genome position (GRCh38, 1-based): chr5:179,137,875, G>T on the plus strand (C>A on the coding strand, the complement: ADAMTS2 is on the minus strand). VCF-style: chr5-179137875-G-T. GRCh37 (hg19) VCF-style: chr5-178564876-G-T.
Other names: short protein forms C615*.
Identifiers: ClinVar variation 2130165 (VCV002130165.4), dbSNP rs2480196236, ClinGen allele CA362426761.